The following is an entry in ClinVar:

NM_002691.4(POLD1):c.1138-1G>A

Gene: POLD1 (DNA polymerase delta 1, catalytic subunit; plus strand). Cytogenetic location: 19q13.33.
Variant type: single nucleotide variant.
Coding change: c.1138-1G>A on transcript NM_002691.4 (MANE Select); the canonical splice acceptor site of the intron before coding-DNA position 1138, G replaced by A.
Molecular consequence: splice acceptor variant.
Genome position (GRCh38, 1-based): chr19:50,403,492, G>A. VCF-style: chr19-50403492-G-A. GRCh37 (hg19) VCF-style: chr19-50906749-G-A.
Other names: NC_000019.9:g.50906749G>A; c.1138-1G>A (NM_002691.2, NM_001256849.1, NM_001438212.1 and 4 more transcripts).
Identifiers: ClinVar variation 4443789 (VCV004443789.2).

ClinVar aggregate classification (germline): Uncertain significance (1 of 4 stars; one submission).

Conditions:
Hereditary cancer-predisposing syndrome. Also called: Neoplastic Syndromes, Hereditary; Tumor predisposition; Hereditary Cancer Syndrome; Hereditary neoplastic syndrome. Identifiers: Orphanet 140162, MedGen C0027672, MeSH D009386, MONDO:0015356.

Submissions (2):

Ambry Genetics
Classification: Uncertain significance for Hereditary cancer-predisposing syndrome. Last evaluated: 2026-05-04. Review status: criteria provided, single submitter. Criteria: Ambry Variant Classification Scheme 2023. Collection method: clinical testing. Allele origin: germline.
Comment: The c.1138-1G>A intronic variant results from a G to A substitution one nucleotide before coding exon 9 of the POLD1 gene. This nucleotide position is highly conserved in available vertebrate species. In silico splice site analysis predicts that this alteration will weaken the native splice acceptor site and will result in the creation or strengthening of a novel splice acceptor site. Variants that disrupt the canonical splice site are expected to cause aberrant splicing, resulting in an abnormal protein or a transcript that is subject to nonsense-mediated mRNA decay. However, loss of function has not been established as a mechanism of disease. Based on the available evidence, the clinical significance of this alteration remains unclear.

Dr. Peter K. Rogan Lab, Western University
No classification provided (evidence only). Condition: Colon adenocarcinoma. Review status: no classification provided. Collection method: in vitro. Allele origin: not applicable. Functional consequence: skipped exon, retained intron. Not counted in ClinVar's aggregate classification.